The following is an entry in ClinVar:

NC_000004.11:g.(?_96025576)_(96036958_?)del

Gene: BMPR1B (bone morphogenetic protein receptor type 1B; plus strand). Cytogenetic location: 4q22.3.
Variant type: Deletion.
Identifiers: ClinVar variation 3246657 (VCV003246657.1).

ClinVar aggregate classification (germline): Pathogenic (1 of 4 stars; one submission).

Conditions:
Type A2 brachydactyly (BDA2). Also called: BRACHYMESOPHALANGY II; MOHR-WRIEDT TYPE BRACHYDACTYLY; Brachymesophalangy type 2. Identifiers: Orphanet 93396, MedGen C1832702, MONDO:0007216, OMIM 112600, HP:0009372.
Acromesomelic dysplasia 3 (AMD3). Also called: CHONDRODYSPLASIA, ACROMESOMELIC, WITH OR WITHOUT GENITAL ANOMALIES; Acromesomelic dysplasia, Demirhan type. Identifiers: MedGen C4225404, MONDO:0012274, OMIM 609441.

Submission:

Labcorp Genetics (formerly Invitae), Labcorp
Classification: Pathogenic for Type A2 brachydactyly; Acromesomelic dysplasia 3. Last evaluated: 2023-10-22. Review status: criteria provided, single submitter. Criteria: Invitae Variant Classification Sherloc (09022015). Collection method: clinical testing. Allele origin: unknown.
Comment: This variant is a gross deletion of the genomic region encompassing exon(s) 4-6 of the BMPR1B gene, which includes the initiator codon. This deletion extends beyond the assayed region for this gene and therefore may encompass additional genes. It is expected to result in an absent or disrupted protein product. Loss-of-function variants in BMPR1B are known to be pathogenic (PMID: 15805157, 24129431). This variant has not been reported in the literature in individuals affected with BMPR1B-related conditions. For these reasons, this variant has been classified as Pathogenic.

Literature cited by the submitters: PubMed 15805157; PubMed 24129431.